The following is an entry in ClinVar:

ClinVar aggregate classification (germline): Uncertain significance. Review status: criteria provided, single submitter (1 of 4 stars). 2 submissions from 2 submitters: Uncertain significance (1). 1 of the submissions does not count toward it. Last evaluated 2025-07-30.

Conditions:
PMP22-related disorder. Also called: PMP22-related condition; PMP22-related disorders.
Charcot-Marie-Tooth disease. Also called: Charcot-Marie-Tooth Neuropathy; Charcot-Marie-Tooth Hereditary Neuropathy. Identifiers: Orphanet 166, MedGen C0007959, MONDO:0015626.

Submissions (2):

3billion
Classification: Uncertain significance for PMP22-related disorder. Last evaluated: 2025-07-30. Review status: criteria provided, single submitter. Criteria: ACMG Guidelines, 2015. Collection method: clinical testing. Allele origin: germline. Affected: yes.
Comment: The variant is not observed in the gnomAD v4.1.0 dataset. Predicted Consequence/Location: Missense variant In silico tool predictions suggest damaging effect of the variant on gene or gene product [REVEL: 0.61 (>=0.6, sensitivity 0.68 and specificity 0.92)]. The same nucleotide change resulting in the same amino acid change has been previously reported to be associated with PMP22-related disorder (PMID: 20453308). However, the evidence of pathogenicity is insufficient at this time. Therefore, this variant is classified as VUS according to the recommendation of ACMG/AMP guideline.

Inherited Neuropathy Consortium
Classification: Uncertain significance for Charcot-Marie-Tooth disease. Review status: no assertion criteria provided. Collection method: literature only. Allele origin: germline. Affected: yes. Not counted in ClinVar's aggregate classification.

Literature cited by the submitters: PubMed 20453308 (cited by 3billion and Inherited Neuropathy Consortium).

NM_000304.4(PMP22):c.336T>G (p.Ser112Arg)

Gene: PMP22 (peripheral myelin protein 22; minus strand). Cytogenetic location: 17p12.
Variant type: single nucleotide variant.
Coding change: c.336T>G on transcript NM_000304.4 (MANE Select); coding-DNA position 336, T replaced by G.
Protein change: p.Ser112Arg; replaces serine 112 with arginine.
Molecular consequence: missense variant. On other transcripts: non-coding transcript variant (2).
Genome position (GRCh38, 1-based): chr17:15,231,064, A>C on the plus strand (T>G on the coding strand, the complement: PMP22 is on the minus strand). VCF-style: chr17-15231064-A-C. GRCh37 (hg19) VCF-style: chr17-15134381-A-C.
Other names: c.336T>G, p.Ser112Arg (NM_001281455.2, NM_001281456.2, NM_153321.3 and 1 more transcripts); short protein forms S112R.
Identifiers: ClinVar variation 637370 (VCV000637370.2), dbSNP rs1597597821, ClinGen allele CA398739800.
Genomic context (GRCh38, chr17:15,231,064, plus strand): 5'-GTAGGAGTAATCCGAGTTGAGATGCCACTCCGGGTGCCTCACCGTGTAGATGGCCGCAGC[A>C]CTCATCACGCACAGACCTGGGGAAGGAGAGGGACAAGCTGGGTGACGGAGAGTCCATGGC-3'
Protein context (NP_000295.1, residues 102-122): FQILAGLCVM[Ser112Arg]AAAIYTVRHP